The following is an entry in ClinVar:

ClinVar aggregate classification (germline): Uncertain significance (1 of 4 stars; one submission).

gnomAD v4.1: 5 of 1,470,552 alleles (0.00034%); highest among the groups gnomAD compares: East Asian, 0.0088%; no homozygotes.

Submission:

Ambry Genetics
Classification: Uncertain significance. Last evaluated: 2025-10-01. Review status: criteria provided, single submitter. Criteria: Ambry Variant Classification Scheme 2023. Collection method: clinical testing. Allele origin: germline.
Comment: The p.P58L variant (also known as c.173C>T), located in coding exon 1 of the PALLD gene, results from a C to T substitution at nucleotide position 173. The proline at codon 58 is replaced by leucine, an amino acid with similar properties. This amino acid position is conserved. In addition, this alteration is predicted to be tolerated by in silico analysis. Based on the available evidence, the clinical significance of this variant remains unclear.

NM_001166108.2(PALLD):c.1965-12858C>T

Gene: PALLD (palladin, cytoskeletal associated protein; plus strand). Cytogenetic location: 4q32.3.
Variant type: single nucleotide variant.
Coding change: c.1965-12858C>T on transcript NM_001166108.2 (MANE Select); 12858 bases into the intron before coding-DNA position 1965, C replaced by T.
Molecular consequence: intron variant. On other transcripts: missense variant (1).
Genome position (GRCh38, 1-based): chr4:168,878,064, C>T. VCF-style: chr4-168878064-C-T. GRCh37 (hg19) VCF-style: chr4-169799215-C-T.
Other names: c.173C>T, p.Pro58Leu (NM_001166110.2); c.1965-12858C>T (NM_016081.4); c.819-12858C>T (NM_001166109.2); c.-157-12858C>T (NM_001367570.1, NM_001367568.1, NM_001367567.1 and 1 more transcripts); short protein forms P58L.
Identifiers: ClinVar variation 4564151 (VCV004564151.1).